The following is an entry in ClinVar:

NM_000038.6(APC):c.2027_2028del (p.Ile676fs)

Gene: APC (APC regulator of Wnt signaling pathway; plus strand). Cytogenetic location: 5q22.2.
Variant type: Deletion.
Coding change: c.2027_2028del on transcript NM_000038.6 (MANE Select); coding-DNA positions 2027 to 2028, 2 bases deleted (TA; older notation c.2027_2028delTA).
Protein change: p.Ile676fs; shifts the reading frame from isoleucine 676.
Molecular consequence: frameshift variant.
Genome position (GRCh38, 1-based): chr5:112,837,621-112,837,622, TA deleted; deleting any 2 consecutive bases within chr5:112,837,620-112,837,622 gives the same sequence; the c. name uses the placement nearest the transcript's 3' end. VCF-style (leftmost placement, unchanged base first): chr5-112837619-AAT-A. GRCh37 (hg19) VCF-style: chr5-112173316-AAT-A.
Other names: c.2027_2028del, p.Ile676fs (NM_001127510.3, NM_001354895.2); c.1973_1974del, p.Ile658fs (NM_001127511.3); c.2081_2082del, p.Ile694fs (NM_001354896.2); c.2057_2058del, p.Ile686fs (NM_001354897.2); c.1952_1953del, p.Ile651fs (NM_001354898.2); c.1943_1944del, p.Ile648fs (NM_001354899.2); c.1904_1905del, p.Ile635fs (NM_001354900.2); c.1850_1851del, p.Ile617fs (NM_001354901.2); and 5 more; short protein forms I585fs, I635fs, I651fs, I658fs, I393fs, I516fs, I550fs, I617fs.
Identifiers: ClinVar variation 1455764 (VCV001455764.8), dbSNP rs2149859064, ClinGen allele CA2573138919.
Genomic context (GRCh38, chr5:112,837,619, plus strand): 5'-CCTAAGAGAGAACAACTGTCTACAAACTTTATTACAACACTTAAAATCTCATAGTTTGAC[AAT>A]AGTCAGTAATGCATGTGGAACTTTGTGGAATCTCTCAGCAAGAAATCCTAAAGACCAGGA-3'

ClinVar aggregate classification (germline): Pathogenic (1 of 4 stars; one submission).

Conditions:
Familial adenomatous polyposis 1 (FAP1). Also called: POLYPOSIS, ADENOMATOUS INTESTINAL; FAMILIAL ADENOMATOUS POLYPOSIS 1, ATTENUATED. Identifiers: MedGen C2713442, MONDO:0021056, OMIM 175100. Disease mechanism: loss of function.

Submission:

Labcorp Genetics (formerly Invitae), Labcorp
Classification: Pathogenic for Familial adenomatous polyposis 1. Last evaluated: 2023-12-13. Review status: criteria provided, single submitter. Criteria: Invitae Variant Classification Sherloc (09022015). Collection method: clinical testing. Allele origin: germline.
Comment: This sequence change creates a premature translational stop signal (p.Ile676Serfs*3) in the APC gene. While this is not anticipated to result in nonsense mediated decay, it is expected to disrupt the last 2168 amino acid(s) of the APC protein. This variant is not present in population databases (gnomAD no frequency). This variant has not been reported in the literature in individuals affected with APC-related conditions. ClinVar contains an entry for this variant (Variation ID: 1455764). This variant is expected to disrupt the EB1 and HDLG binding sites, which mediate interactions with the cytoskeleton (PMID: 15311282, 17293347). While functional studies have not been performed to directly test the effect on APC protein function, this suggests that disruption of the C-terminal portion of the protein is functionally important. A different truncation (p.Tyr2645Lysfs*14) that lies downstream of this variant has been determined to be pathogenic (PMID: 9824584, 1316610, 27081525, 8381579, 22135120, Invitae). This suggests that deletion of this region of the APC protein is causative of disease. For these reasons, this variant has been classified as Pathogenic.

Literature cited by the submitters: PubMed 15311282; PubMed 17293347; PubMed 9824584; PubMed 1316610; PubMed 27081525; PubMed 8381579; PubMed 22135120.